The following is an entry in ClinVar:

ClinVar aggregate classification (germline): Uncertain significance (1 of 4 stars; one submission).

Conditions:
Epileptic encephalopathy. Identifiers: MedGen C0543888, HP:0200134.

Submission:

Labcorp Genetics (formerly Invitae), Labcorp
Classification: Uncertain significance for Epileptic encephalopathy. Last evaluated: 2022-01-17. Review status: criteria provided, single submitter. Criteria: Invitae Variant Classification Sherloc (09022015). Collection method: clinical testing. Allele origin: germline.
Comment: In summary, the available evidence is currently insufficient to determine the role of this variant in disease. Therefore, it has been classified as a Variant of Uncertain Significance. Algorithms developed to predict the effect of missense changes on protein structure and function are either unavailable or do not agree on the potential impact of this missense change (SIFT: "Deleterious"; PolyPhen-2: "Possibly Damaging"; Align-GVGD: "Class C0"). This variant has not been reported in the literature in individuals affected with FASN-related conditions. This variant is not present in population databases (gnomAD no frequency). This sequence change replaces proline, which is neutral and non-polar, with serine, which is neutral and polar, at codon 382 of the FASN protein (p.Pro382Ser).

NM_004104.5(FASN):c.1144C>T (p.Pro382Ser)

Gene: FASN (fatty acid synthase; minus strand). Cytogenetic location: 17q25.3.
Variant type: single nucleotide variant.
Coding change: c.1144C>T on transcript NM_004104.5 (MANE Select); coding-DNA position 1144, C replaced by T.
Protein change: p.Pro382Ser; replaces proline 382 with serine.
Molecular consequence: missense variant.
Genome position (GRCh38, 1-based): chr17:82,091,570, G>A on the plus strand (C>T on the coding strand, the complement: FASN is on the minus strand). VCF-style: chr17-82091570-G-A. GRCh37 (hg19) VCF-style: chr17-80049446-G-A.
Other names: short protein forms P382S.
Identifiers: ClinVar variation 2086885 (VCV002086885.4), dbSNP rs2509843616, ClinGen allele CA401561068.